The following is an entry in ClinVar:

ClinVar aggregate classification (germline): Uncertain significance. Review status: criteria provided, multiple submitters, no conflicts (2 of 4 stars). 2 submissions from 2 submitters: Uncertain significance (2). Last evaluated 2024-02-24.

Conditions:
Spastic paraplegia. Identifiers: MedGen C0037772, HP:0001258.

Submissions (2):

Labcorp Genetics (formerly Invitae), Labcorp
Classification: Uncertain significance for Spastic paraplegia. Last evaluated: 2024-02-24. Review status: criteria provided, single submitter. Criteria: Invitae Variant Classification Sherloc (09022015). Collection method: clinical testing. Allele origin: germline.
Comment: This sequence change replaces arginine, which is basic and polar, with cysteine, which is neutral and slightly polar, at codon 115 of the GJC2 protein (p.Arg115Cys). This variant is not present in population databases (gnomAD no frequency). This variant has not been reported in the literature in individuals affected with GJC2-related conditions. ClinVar contains an entry for this variant (Variation ID: 1416610). Advanced modeling of protein sequence and biophysical properties (such as structural, functional, and spatial information, amino acid conservation, physicochemical variation, residue mobility, and thermodynamic stability) has been performed at Invitae for this missense variant, however the output from this modeling did not meet the statistical confidence thresholds required to predict the impact of this variant on GJC2 protein function. In summary, the available evidence is currently insufficient to determine the role of this variant in disease. Therefore, it has been classified as a Variant of Uncertain Significance.

Revvity Omics, Revvity
Classification: Uncertain significance. Last evaluated: 2019-05-09. Review status: criteria provided, single submitter. Criteria: ACMG Guidelines, 2015. Collection method: clinical testing. Allele origin: germline.

NM_020435.4(GJC2):c.343C>T (p.Arg115Cys)

Gene: GJC2 (gap junction protein gamma 2; plus strand). Cytogenetic location: 1q42.13.
Variant type: single nucleotide variant.
Coding change: c.343C>T on transcript NM_020435.4 (MANE Select); coding-DNA position 343, C replaced by T.
Protein change: p.Arg115Cys; replaces arginine 115 with cysteine.
Molecular consequence: missense variant.
Genome position (GRCh38, 1-based): chr1:228,158,101, C>T. VCF-style: chr1-228158101-C-T. GRCh37 (hg19) VCF-style: chr1-228345802-C-T.
Other names: c.343C>T (NM_020435.3); short protein forms R115C.
Identifiers: ClinVar variation 1416610 (VCV001416610.8), dbSNP rs2124966245, ClinGen allele CA345097472.